The following is an entry in ClinVar:

NM_007294.4(BRCA1):c.612G>C (p.Leu204Phe)

Gene: BRCA1 (BRCA1 DNA repair associated; minus strand). Cytogenetic location: 17q21.31.
Variant type: single nucleotide variant.
Coding change: c.612G>C on transcript NM_007294.4 (MANE Select); coding-DNA position 612, G replaced by C.
Protein change: p.Leu204Phe; replaces leucine 204 with phenylalanine.
Molecular consequence: missense variant. On other transcripts: non-coding transcript variant (1).
Genome position (GRCh38, 1-based): chr17:43,095,904, C>G on the plus strand (G>C on the coding strand, the complement: BRCA1 is on the minus strand). VCF-style: chr17-43095904-C-G. GRCh37 (hg19) VCF-style: chr17-41247921-C-G.
Other names: p.L204F:TTG>TTC; c.399G>C, p.Leu133Phe (NM_001407571.1, NM_001407853.1, NM_001407894.1 and 12 more transcripts); c.612G>C, p.Leu204Phe (NM_001407581.1, NM_001407582.1, NM_001407583.1 and 59 more transcripts); c.609G>C, p.Leu203Phe (NM_001407587.1, NM_001407590.1, NM_001407591.1 and 41 more transcripts); c.603G>C, p.Leu201Phe (NM_001407646.1, NM_001407647.1, NM_001408408.1); c.534G>C, p.Leu178Phe (NM_001407653.1, NM_001407654.1, NM_001407655.1 and 9 more transcripts); c.531G>C, p.Leu177Phe (NM_001407659.1, NM_001407660.1, NM_001407661.1 and 3 more transcripts); c.471G>C, p.Leu157Phe (NM_001407692.1, NM_001407694.1, NM_001407695.1 and 43 more transcripts); and 5 more; short protein forms L204F, L157F, L133F, L177F, L203F, L77F, L134F, L201F.
Identifiers: ClinVar variation 55646 (VCV000055646.56), dbSNP rs80357394, ClinGen allele CA003761.
Genomic context (GRCh38, chr17:43,095,904, plus strand): 5'-ACCCTTTTTTGCAGAATCCAAACTGATTTCATCCCTGGTTCCTTGAGGGGTGATTTGTAA[C>G]AATTCTTGATCTCCCACACTATAGGGAAAAGACAGAGTCCTAATAAGAAACACTAGTTAC-3'
Protein context (NP_009225.1, residues 194-214): ATYCSVGDQE[Leu204Phe]LQITPQGTRD

ClinVar aggregate classification (germline): Conflicting classifications of pathogenicity. Review status: criteria provided, conflicting classifications (1 of 4 stars). 12 submissions from 12 submitters: Uncertain significance (4); Likely benign (6). 2 of the submissions do not count toward it. Last evaluated 2026-01-20.

Conditions:
Inherited breast cancer and ovarian cancer.
Fanconi anemia, complementation group S (FANCS). Identifiers: MedGen C4554406, MONDO:0054748, OMIM 617883.
Breast-ovarian cancer, familial, susceptibility to, 1 (BROVCA1). Also called: BRCA1 Hereditary Breast and Ovarian Cancer; OVARIAN CANCER, SUSCEPTIBILITY TO. Identifiers: Orphanet 145, MedGen C2676676, MONDO:0011450, OMIM 604370. Disease mechanism: loss of function.
Hereditary cancer-predisposing syndrome. Also called: Hereditary Cancer Syndrome; Hereditary neoplastic syndrome; Neoplastic Syndromes, Hereditary; Tumor predisposition. Identifiers: Orphanet 140162, MedGen C0027672, MeSH D009386, MONDO:0015356.
Hereditary breast ovarian cancer syndrome. Also called: BRCA1- and BRCA2-Associated Hereditary Breast and Ovarian Cancer; Hereditary breast and ovarian cancer syndrome; Hereditary breast and ovarian cancer syndrome (HBOC); Breast and ovarian cancer; Hereditary breast and/or ovarian cancer syndrome; Hereditary breast and ovarian cancer. Identifiers: Orphanet 145, MedGen C0677776, MeSH D061325, MONDO:0003582. Disease mechanism: loss of function.

Allele frequency attached by ClinVar (database versions not stated): gnomAD 0.00002 and 0.00003; TOPMed 0.00003; ExAC 0.00009; gnomAD exomes 0.00005.
gnomAD v4.1: 177 of 1,613,428 alleles (0.011%); highest among the groups gnomAD compares: Non-Finnish European, 0.015%; no homozygotes.

Submissions (12):

Women's Health and Genetics/Laboratory Corporation of America, LabCorp
Classification: Likely benign. Last evaluated: 2026-01-20. Review status: criteria provided, single submitter. Criteria: LabCorp Variant Classification Summary - May 2015. Collection method: clinical testing. Allele origin: germline.
Comment: Variant summary: BRCA1 c.612G>C (p.Leu204Phe) results in a non-conservative amino acid change in the encoded protein sequence. Algorithms developed to predict the effect of missense changes on protein structure and function all suggest that this variant is likely to be disruptive. The variant allele was found at a frequency of 4.8e-05 in 250778 control chromosomes (gnomAD). This frequency is not significantly higher than estimated for disease-causing variants in BRCA1, allowing no conclusion about variant significance. c.612G>C has been observed in individual(s) affected with breast cancer without strong evidence of causality (e.g. Judkins_2005, Shattuck-Eidens_1997, Flaum_2022). These report(s) do not provide unequivocal conclusions about association of the variant with Hereditary Breast And Ovarian Cancer Syndrome. Co-occurrences with other pathogenic variants have been reported in the UMD database and in the literature (BRCA2 c.8904delC, p.Val2969CysfsX7; BRCA2 c.244A>T, p.Lys82*; BRCA1 c.5213_5215del, p.Gly1738del), providing supporting evidence for a benign role. At least two publications report experimental evidence evaluating an impact on splicing, however, they do not allow convincing conclusions about the variant effect on protein function, although they demonstrated no effect on splicing (Houdayer_2012, Wai_2020). The following publications have been ascertained in the context of this evaluation (PMID: 15235020, 22505045, 16267036, 15385441, 21309043, 34663891, 12427538, 9333265, 32123317, 22927308, 36169650). ClinVar contains an entry for this variant (Variation ID: 55646). Based on the evidence outlined above, the variant was classified as likely benign.

Labcorp Genetics (formerly Invitae), Labcorp
Classification: Likely benign for Hereditary breast ovarian cancer syndrome. Last evaluated: 2026-01-14. Review status: criteria provided, single submitter. Criteria: Invitae Variant Classification Sherloc (09022015). Collection method: clinical testing. Allele origin: germline.

Quest Diagnostics Nichols Institute San Juan Capistrano
Classification: Uncertain significance. Last evaluated: 2025-06-20. Review status: criteria provided, single submitter. Criteria: Quest Diagnostics criteria. Collection method: clinical testing. Allele origin: unknown.
Comment: The BRCA1 c.612G>C (p.Leu204Phe) variant has been reported in the published literature in individuals and families with breast and/or ovarian cancer (PMIDs: 16267036 (2005), 36169650 (2022)). In a large-scale breast cancer association study, this variant has been observed in breast cancer cases as well as one reportedly unaffected individual (PMID: 33471991 (2021), see also LOVD). Assessment of experimental evidence suggests this variant does not result in abnormal RNA splicing (PMIDs: 22505045 (2012), 34663891 (2021)). The frequency of this variant in the general population (Genome Aggregation Database) is uninformative in the assessment of its pathogenicity. Analysis of this variant using bioinformatics tools for the prediction of the effect of amino acid changes on protein structure and function yielded predictions that this variant is benign. Based on the available information, we are unable to determine the clinical significance of this variant.

Center for Genomic Medicine, Rigshospitalet, Copenhagen University Hospital
Classification: Likely benign. Last evaluated: 2025-03-04. Review status: criteria provided, single submitter. Criteria: ACMG Guidelines, 2015. Collection method: clinical testing. Allele origin: germline.
Comment: Classification criteria: BP1_strong

Ambry Genetics
Classification: Uncertain significance for Hereditary cancer-predisposing syndrome. Last evaluated: 2025-02-25. Review status: criteria provided, single submitter. Criteria: Ambry Variant Classification Scheme 2023. Collection method: clinical testing. Allele origin: germline.
Comment: The p.L204F variant (also known as c.612G>C), located in coding exon 8 of the BRCA1 gene, results from a G to C substitution at nucleotide position 612. The leucine at codon 204 is replaced by phenylalanine, an amino acid with highly similar properties. This variant was detected in a cohort of 277 women with a personal and/or family history of ovarian cancer (Flaum N et al. Genet Med, 2022 Dec;24:2578-2586). This variant was also detected in 1/798 individuals from a multi-center study of persons thought to be at elevated a priori risk for a BRCA1 mutation based on personal and/or family history (Shattuck-Eidens D et al. JAMA, 1997 Oct;278:1242-50). This amino acid position is well conserved in available vertebrate species. In addition, the in silico prediction for this alteration is inconclusive. Based on the available evidence, the clinical significance of this variant remains unclear.

Genomics and Molecular Medicine Service, East Genomic Laboratory Hub, NHS Genomic Medicine Service
Classification: Likely benign for Inherited breast cancer and ovarian cancer. Last evaluated: 2024-10-21. Review status: criteria provided, single submitter. Criteria: ACGS Best Practice Guidelines for Variant Classification in Rare Disease 2020. Collection method: clinical testing. Allele origin: germline. Affected: yes.
Comment: BS1_Strong,BP1

GeneDx
Classification: Uncertain significance. Last evaluated: 2023-08-22. Review status: criteria provided, single submitter. Criteria: GeneDx Variant Classification Process June 2021. Collection method: clinical testing. Allele origin: germline. Affected: yes.
Comment: Observed in individuals with personal and/or family history of breast and/or ovarian cancer (Shattuck-Eidens et al. 1997; Judkins et al. 2005; Flaum et al., 2022); In silico analysis supports that this missense variant does not alter protein structure/function; Also known as 731G>C; This variant is associated with the following publications: (PMID: 9333265, 15235020, 21309043, 16267036, 22505045, 12427538, 15385441, 32123317, 20215511, 9788437, 34663891, 36169650)

Department of Pathology and Laboratory Medicine, Sinai Health System
Classification: Likely benign for Fanconi anemia, complementation group S. Last evaluated: 2021-01-15. Review status: criteria provided, single submitter. Criteria: ACMG Guidelines, 2015. Collection method: clinical testing. Allele origin: germline. Affected: yes.

Color Diagnostics, LLC DBA Color Health
Classification: Likely benign for Hereditary cancer-predisposing syndrome. Last evaluated: 2017-11-10. Review status: criteria provided, single submitter. Criteria: ACMG Guidelines, 2015. Collection method: clinical testing. Allele origin: germline.

PreventionGenetics, part of Exact Sciences
Classification: Uncertain significance. Last evaluated: 2017-07-18. Review status: criteria provided, single submitter. Criteria: ACMG Guidelines, 2015. Collection method: clinical testing. Allele origin: germline.

BRCAlab, Lund University
Classification: Likely benign for Breast-ovarian cancer, familial, susceptibility to, 1. Last evaluated: 2020-03-02. Review status: no assertion criteria provided. Collection method: clinical testing. Allele origin: germline. Affected: yes. Not counted in ClinVar's aggregate classification.

Breast Cancer Information Core (BIC) (BRCA1)
Classification: Uncertain significance for Breast-ovarian cancer, familial 1. Last evaluated: 1999-03-24. Review status: no assertion criteria provided. Collection method: clinical testing. Allele origin: germline. Affected: yes. Observed: 7 variant alleles. Not counted in ClinVar's aggregate classification.

Literature cited by the submitters: PubMed 16267036 (cited by 3 submitters); PubMed 15385441 (cited by Women's Health and Genetics/Laboratory Corporation of America, LabCorp); PubMed 15235020 (cited by 3 submitters); PubMed 22505045 (cited by Women's Health and Genetics/Laboratory Corporation of America, LabCorp and Quest Diagnostics Nichols Institute San Juan Capistrano); PubMed 9333265 (cited by 3 submitters); PubMed 21309043 (cited by Women's Health and Genetics/Laboratory Corporation of America, LabCorp and Ambry Genetics); PubMed 12427538 (cited by Women's Health and Genetics/Laboratory Corporation of America, LabCorp); PubMed 32123317 (cited by 3 submitters); PubMed 34663891 (cited by Women's Health and Genetics/Laboratory Corporation of America, LabCorp and Quest Diagnostics Nichols Institute San Juan Capistrano); PubMed 22927308 (cited by Women's Health and Genetics/Laboratory Corporation of America, LabCorp and Quest Diagnostics Nichols Institute San Juan Capistrano); PubMed 36169650 (cited by 3 submitters); PubMed 29168416 (cited by Center for Genomic Medicine, Rigshospitalet, Copenhagen University Hospital).